The following is an entry in ClinVar:

NM_031263.4(HNRNPK):c.563C>G (p.Ser188Cys)

Genes: HNRNPK (heterogeneous nuclear ribonucleoprotein K; minus strand), HNRNPK-AS1 (HNRNPK antisense RNA 1; plus strand). Cytogenetic location: 9q21.32.
Variant type: single nucleotide variant.
Coding change: c.563C>G on transcript NM_031263.4 (MANE Select); coding-DNA position 563, C replaced by G.
Protein change: p.Ser188Cys; replaces serine 188 with cysteine.
Molecular consequence: missense variant.
Genome position (GRCh38, 1-based): chr9:83,972,926, G>C on the plus strand (C>G on the coding strand, the complement: HNRNPK is on the minus strand). VCF-style: chr9-83972926-G-C. GRCh37 (hg19) VCF-style: chr9-86587841-G-C.
Other names: c.563C>G (NM_002140.4); c.563C>G, p.Ser188Cys (NM_031262.4, NM_001318188.2, NM_002140.5); c.491C>G, p.Ser164Cys (NM_001318186.2, NM_001318187.2); short protein forms S164C, S188C.
Identifiers: ClinVar variation 3235963 (VCV003235963.2), dbSNP rs2491980551, ClinGen allele CA373926790.

ClinVar aggregate classification (germline): Uncertain significance. Review status: criteria provided, single submitter (1 of 4 stars). 2 submissions from 2 submitters: Uncertain significance (1). 1 of the submissions does not count toward it. Last evaluated 2022-12-21.

Conditions:
HNRNPK-related disorder. Also called: HNRNPK-related condition.
Au-Kline syndrome. Also called: Neurodevelopmental disorder-craniofacial dysmorphism-cardiac defect-hip dysplasia syndrome due to a point mutation; Okamoto syndrome. Identifiers: Orphanet 2729, Orphanet 453499, Orphanet 453504, MedGen C4225274, MONDO:0014700, OMIM 616580.

Submissions (2):

MVZ Medizinische Genetik Mainz
Classification: Uncertain significance for Au-Kline syndrome. Last evaluated: 2022-12-21. Review status: criteria provided, single submitter. Criteria: UK Practice Guidelines For Variant Classification V4 01 2020. Collection method: clinical testing. Allele origin: germline. Inheritance: Autosomal dominant inheritance. Affected: yes. Observed: 1 variant allele.
Comment: ACMG Criteria: PM2_SUP, PP2, PP4 (ACMG Version 4)

PreventionGenetics, part of Exact Sciences
Classification: Uncertain significance for HNRNPK-related condition. Last evaluated: 2024-03-07. Review status: no assertion criteria provided. Collection method: clinical testing. Allele origin: germline. Not counted in ClinVar's aggregate classification.
Comment: The HNRNPK c.563C>G variant is predicted to result in the amino acid substitution p.Ser188Cys. To our knowledge, this variant has not been reported in the literature or in a large population database, indicating this variant is rare. At this time, the clinical significance of this variant is uncertain due to the absence of conclusive functional and genetic evidence.